The following is an entry in ClinVar:

ClinVar aggregate classification (germline): Conflicting classifications of pathogenicity. Review status: criteria provided, conflicting classifications (1 of 4 stars). 5 submissions from 5 submitters: Uncertain significance (1); Likely benign (4). Last evaluated 2025-11-16.

Conditions:
Cardiovascular phenotype. Identifiers: MedGen CN230736.
Cardiomyopathy (CMYO). Also called: Cardiomyopathies. Identifiers: Orphanet 167848, MedGen C0878544, MONDO:0004994, HP:0001638. Inheritance: Various modes of inheritance.
Arrhythmogenic right ventricular dysplasia 8 (ARVD8). Also called: ARRHYTHMOGENIC RIGHT VENTRICULAR DYSPLASIA, FAMILIAL, 8; ARRHYTHMOGENIC RIGHT VENTRICULAR CARDIOMYOPATHY 8; Arrhythmogenic Right Ventricular Dysplasia/Cardiomyopathy 8. Identifiers: MedGen C1843896, MONDO:0011831, OMIM 607450.
Arrhythmogenic cardiomyopathy with wooly hair and keratoderma. Also called: PALMOPLANTAR KERATODERMA WITH LEFT VENTRICULAR CARDIOMYOPATHY AND WOOLLY HAIR; Dilated cardiomyopathy with woolly hair and keratoderma; Arrhythmogenic cardiomyopathy with woolly hair and keratoderma; Carvajal syndrome. Identifiers: Orphanet 65282, MedGen C1854063, MONDO:0011581, OMIM 605676.

Allele frequency attached by ClinVar (database versions not stated): ExAC 0.00004; gnomAD exomes 0.00004 and 0.00006; gnomAD 0.00005; TOPMed 0.00005.
gnomAD v4.1: 100 of 1,613,920 alleles (0.0062%); highest among the groups gnomAD compares: African/African-American, 0.008%; no homozygotes.

Submissions (5):

Labcorp Genetics (formerly Invitae), Labcorp
Classification: Likely benign for Arrhythmogenic cardiomyopathy with wooly hair and keratoderma; Arrhythmogenic right ventricular dysplasia 8. Last evaluated: 2025-11-16. Review status: criteria provided, single submitter. Criteria: Invitae Variant Classification Sherloc (09022015). Collection method: clinical testing. Allele origin: germline.

Women's Health and Genetics/Laboratory Corporation of America, LabCorp
Classification: Uncertain significance. Last evaluated: 2025-03-03. Review status: criteria provided, single submitter. Criteria: LabCorp Variant Classification Summary - May 2015. Collection method: clinical testing. Allele origin: germline.
Comment: Variant summary: DSP c.2569G>A (p.Gly857Ser) results in a non-conservative amino acid change in the encoded protein sequence. Four of five in-silico tools predict a benign effect of the variant on protein function. The variant allele was found at a frequency of 6.2e-05 in 1613920 control chromosomes. This frequency is not significantly higher than estimated for a pathogenic variant in DSP causing Arrhythmogenic Right Ventricular Dysplasia/Cardiomyopathy (6.2e-05 vs 0.0002), allowing no conclusion about variant significance. c.2569G>A has been reported in the literature in at-least one individual affected with Hypertrophic cardiomyopathy (Jskelinen_2019) however, also carried a pathogenic co-occurrence (MYH7 c.1816G>A, p.Val606Met), providing supporting evidence for a benign role. To our knowledge, no experimental evidence demonstrating an impact on protein function has been reported. The following publication has been ascertained in the context of this evaluation (PMID: 30775854). ClinVar contains an entry for this variant (Variation ID: 180324). Based on the evidence outlined above, the variant was classified as uncertain significance.

Blueprint Genetics
Classification: Likely benign. Last evaluated: 2024-10-24. Review status: criteria provided, single submitter. Criteria: ACMG Guidelines, 2015. Collection method: clinical testing. Allele origin: germline.

Color Diagnostics, LLC DBA Color Health
Classification: Likely benign for Cardiomyopathy. Last evaluated: 2024-08-29. Review status: criteria provided, single submitter. Criteria: ACMG Guidelines, 2015. Collection method: clinical testing. Allele origin: germline.

Ambry Genetics
Classification: Likely benign for Cardiovascular phenotype. Last evaluated: 2018-10-22. Review status: criteria provided, single submitter. Criteria: Ambry Variant Classification Scheme 2023. Collection method: clinical testing. Allele origin: germline.

Literature cited by the submitters: PubMed 30775854 (cited by Women's Health and Genetics/Laboratory Corporation of America, LabCorp).

NM_004415.4(DSP):c.2569G>A (p.Gly857Ser)

Gene: DSP (desmoplakin; plus strand). Cytogenetic location: 6p24.3.
Variant type: single nucleotide variant.
Coding change: c.2569G>A on transcript NM_004415.4 (MANE Select); coding-DNA position 2569, G replaced by A.
Protein change: p.Gly857Ser; replaces glycine 857 with serine.
Molecular consequence: missense variant.
Genome position (GRCh38, 1-based): chr6:7,575,427, G>A. VCF-style: chr6-7575427-G-A. GRCh37 (hg19) VCF-style: chr6-7575660-G-A.
Other names: c.2569G>A (LRG_423t1); c.2569G>A, p.Gly857Ser (NM_001008844.3, NM_001319034.2); short protein forms G857S.
Identifiers: ClinVar variation 180324 (VCV000180324.19), dbSNP rs548695484, ClinGen allele CA005414.
Genomic context (GRCh38, chr6:7,575,427, plus strand): 5'-CAGATCCACTCTCAGACTTCACAGCAGTATCCACTTTATGATCTGGACTTGGGCAAGTTC[G>A]GTGAAAAAGTCACACAGCTGACAGACCGCTGGCAAAGGATAGATAAACAGATCGACTTTA-3'
Protein context (NP_004406.2, residues 847-867): PLYDLDLGKF[Gly857Ser]EKVTQLTDRW